The following is an entry in ClinVar:

ClinVar aggregate classification (germline): Uncertain significance (1 of 4 stars; one submission).

Conditions:
Tuberous sclerosis 2 (TSC2). Identifiers: Orphanet 805, MedGen C1860707, MONDO:0013199, OMIM 613254.

Submission:

Labcorp Genetics (formerly Invitae), Labcorp
Classification: Uncertain significance for Tuberous sclerosis 2. Last evaluated: 2023-12-31. Review status: criteria provided, single submitter. Criteria: Invitae Variant Classification Sherloc (09022015). Collection method: clinical testing. Allele origin: germline.
Comment: This sequence change replaces arginine, which is basic and polar, with methionine, which is neutral and non-polar, at codon 25 of the TSC2 protein (p.Arg25Met). This variant is not present in population databases (gnomAD no frequency). This variant has not been reported in the literature in individuals affected with TSC2-related conditions. Advanced modeling of protein sequence and biophysical properties (such as structural, functional, and spatial information, amino acid conservation, physicochemical variation, residue mobility, and thermodynamic stability) performed at Invitae indicates that this missense variant is not expected to disrupt TSC2 protein function with a negative predictive value of 95%. In summary, the available evidence is currently insufficient to determine the role of this variant in disease. Therefore, it has been classified as a Variant of Uncertain Significance.

NM_000548.5(TSC2):c.74G>T (p.Arg25Met)

Gene: TSC2 (TSC complex subunit 2; plus strand). Cytogenetic location: 16p13.3.
Variant type: single nucleotide variant.
Coding change: c.74G>T on transcript NM_000548.5 (MANE Select); coding-DNA position 74, G replaced by T.
Protein change: p.Arg25Met; replaces arginine 25 with methionine.
Molecular consequence: missense variant. On other transcripts: 5 prime UTR variant (19), intron variant (6), non-coding transcript variant (5).
Genome position (GRCh38, 1-based): chr16:2,048,689, G>T. VCF-style: chr16-2048689-G-T. GRCh37 (hg19) VCF-style: chr16-2098690-G-T.
Other names: c.74G>T, p.Arg25Met (NM_001077183.3, NM_001114382.3, NM_001318827.2 and 13 more transcripts); c.-153G>T (NM_001318831.2, NM_001406682.1, NM_001406684.1 and 2 more transcripts); c.107G>T, p.Arg36Met (NM_001318832.2); c.-10+624G>T (NM_001406675.1, NM_001406676.1, NM_001318829.2 and 2 more transcripts); c.-89+624G>T (NM_001406686.1); c.-743G>T (NM_001406680.1, NM_001406683.1, NM_001406687.1); c.-372G>T (NM_001406681.1); c.-1358G>T (NM_001406689.1, NM_001406690.1, NM_001406691.1 and 2 more transcripts); and 4 more; short protein forms R25M, R36M.
Identifiers: ClinVar variation 2706786 (VCV002706786.3), dbSNP rs759867905, ClinGen allele CA394301232.
Genomic context (GRCh38, chr16:2,048,689, plus strand): 5'-CAAGCAAAGATTCAGGCTTGAAGGAGAAGTTTAAGATTCTGTTGGGACTGGGAACACCGA[G>T]GCCAAATCCCAGGTCTGCAGAGGGTAAACAGACGGAGTTTATCATCACCGCGGAAATACT-3'
Protein context (NP_000539.2, residues 15-35): FKILLGLGTP[Arg25Met]PNPRSAEGKQ